The following is an entry in ClinVar:

ClinVar aggregate classification (germline): Pathogenic (1 of 4 stars; one submission).

Conditions:
Hypophosphatasia. Also called: Phosphoethanol-aminuria. Identifiers: Orphanet 436, MedGen C0020630, MeSH D007014, MONDO:0018570.

Submission:

Myriad Genetics, Inc.
Classification: Pathogenic for Hypophosphatasia. Last evaluated: 2023-12-21. Review status: criteria provided, single submitter. Criteria: Myriad Autosomal Dominant, Autosomal Recessive and X-Linked Classification Criteria (2023). Collection method: clinical testing. Allele origin: unknown.
Comment: NM_000478.4(ALPL):c.723delA(A242Pfs*35) is expected to be pathogenic in the context of hypophosphatasia. This variant is predicted to lead to an abnormal or absent protein product due to the creation of a premature termination codon in ALPL, a gene where loss-of-function variants are known to be pathogenic. Please note: this variant was assessed in the context of healthy population screening.

NM_000478.6(ALPL):c.723del (p.Ala242fs)

Gene: ALPL (alkaline phosphatase, biomineralization associated; plus strand). Cytogenetic location: 1p36.12.
Variant type: Deletion.
Coding change: c.723del on transcript NM_000478.6 (MANE Select); coding-DNA position 723, one base deleted (A; older notation c.723delA).
Protein change: p.Ala242fs; shifts the reading frame from alanine 242.
Molecular consequence: frameshift variant.
Genome position (GRCh38, 1-based): chr1:21,568,178, A deleted; the last of 3 consecutive A bases (chr1:21,568,176-21,568,178); deleting any one gives the same sequence. VCF-style (leftmost placement, unchanged base first): chr1-21568175-GA-G. GRCh37 (hg19) VCF-style: chr1-21894668-GA-G.
Other names: c.558del, p.Ala187fs (NM_001127501.4); c.492del, p.Ala165fs (NM_001177520.3); c.723del, p.Ala242fs (NM_001369803.2, NM_001369804.2, NM_001369805.2); short protein forms A165fs, A187fs, A242fs.
Identifiers: ClinVar variation 5012597 (VCV005012597.1).